The following is an entry in ClinVar:

NM_014915.3(ANKRD26):c.115G>A (p.Gly39Ser)

Genes: ANKRD26 (ankyrin repeat domain containing 26; minus strand), LOC130003554 (ATAC-STARR-seq lymphoblastoid silent region 2243; plus strand). Cytogenetic location: 10p12.1.
Variant type: single nucleotide variant.
Coding change: c.115G>A on transcript NM_014915.3 (MANE Select); coding-DNA position 115, G replaced by A.
Protein change: p.Gly39Ser; replaces glycine 39 with serine.
Molecular consequence: missense variant.
Genome position (GRCh38, 1-based): chr10:27,100,212, C>T on the plus strand (G>A on the coding strand, the complement: ANKRD26 is on the minus strand). VCF-style: chr10-27100212-C-T. GRCh37 (hg19) VCF-style: chr10-27389141-C-T.
Other names: c.115G>A, p.Gly39Ser (NM_001256053.2); short protein forms G39S.
Identifiers: ClinVar variation 3869272 (VCV003869272.1).
Genomic context (GRCh38, chr10:27,100,212, plus strand): 5'-CATTACCCGCGCTGGCAGCTTTGTGGATCTTGCCGAGATCTCGGTCTCGGACGTGGTAGC[C>T]GGGCTGCGAGTAGGCGCCCTCCCCCGGCTCGCCCCCGCCTCCCGCGCTGCTCCTCTGCCG-3'
Protein context (NP_055730.2, residues 29-49): EPGEGAYSQP[Gly39Ser]YHVRDRDLGK

ClinVar aggregate classification (germline): Uncertain significance (1 of 4 stars; one submission).

Conditions:
Inborn genetic diseases. Identifiers: MedGen C0950123, MeSH D030342.

gnomAD v4.1: 3 of 1,613,502 alleles (0.00019%); highest among the groups gnomAD compares: East Asian, 0.0022%; no homozygotes.

Submission:

Ambry Genetics
Classification: Uncertain significance for Inborn genetic diseases. Last evaluated: 2024-12-15. Review status: criteria provided, single submitter. Criteria: Ambry Variant Classification Scheme 2023. Collection method: clinical testing. Allele origin: germline.
Comment: The p.G39S variant (also known as c.115G>A), located in coding exon 1 of the ANKRD26 gene, results from a G to A substitution at nucleotide position 115. The glycine at codon 39 is replaced by serine, an amino acid with similar properties. This amino acid position is conserved. In addition, this alteration is predicted to be tolerated by in silico analysis. Based on the available evidence, the clinical significance of this variant remains unclear.